The following is an entry in ClinVar:

NM_031443.4(CCM2):c.1115T>C (p.Ile372Thr)

Gene: CCM2 (CCM2 scaffold protein; plus strand). Cytogenetic location: 7p13.
Variant type: single nucleotide variant.
Coding change: c.1115T>C on transcript NM_031443.4 (MANE Select); coding-DNA position 1115, T replaced by C.
Protein change: p.Ile372Thr; replaces isoleucine 372 with threonine.
Molecular consequence: missense variant. On other transcripts: non-coding transcript variant (1).
Genome position (GRCh38, 1-based): chr7:45,075,837, T>C. VCF-style: chr7-45075837-T-C. GRCh37 (hg19) VCF-style: chr7-45115436-T-C.
Other names: c.1178T>C, p.Ile393Thr (NM_001029835.2); c.941T>C, p.Ile314Thr (NM_001167934.2); c.842T>C, p.Ile281Thr (NM_001167935.2); c.1238T>C, p.Ile413Thr (NM_001363458.2); c.1064T>C, p.Ile355Thr (NM_001363459.2); short protein forms I314T, I413T, I281T, I393T, I355T, I372T.
Identifiers: ClinVar variation 2913948 (VCV002913948.3), dbSNP rs142647512, ClinGen allele CA4247263.

ClinVar aggregate classification (germline): Uncertain significance (1 of 4 stars; one submission).

Conditions:
Cerebral cavernous malformation 2. Also called: Familial Cerebral Cavernous Malformation 2. Identifiers: Orphanet 221061, MedGen C1864041, MONDO:0011304, OMIM 603284.

Allele frequency attached by ClinVar (database versions not stated): gnomAD 0.00001; gnomAD exomes 0.00001; ExAC 0.00002; TOPMed 0.00002; ESP Exome Variant Server 0.00015.
gnomAD v4.1: 23 of 1,613,594 alleles (0.0014%); highest among the groups gnomAD compares: African/African-American, 0.0027%; no homozygotes.

Submission:

Labcorp Genetics (formerly Invitae), Labcorp
Classification: Uncertain significance for Cerebral cavernous malformation 2. Last evaluated: 2023-08-27. Review status: criteria provided, single submitter. Criteria: Invitae Variant Classification Sherloc (09022015). Collection method: clinical testing. Allele origin: germline.
Comment: This sequence change replaces isoleucine, which is neutral and non-polar, with threonine, which is neutral and polar, at codon 372 of the CCM2 protein (p.Ile372Thr). This variant is present in population databases (rs142647512, gnomAD 0.007%). This variant has not been reported in the literature in individuals affected with CCM2-related conditions. Advanced modeling of protein sequence and biophysical properties (such as structural, functional, and spatial information, amino acid conservation, physicochemical variation, residue mobility, and thermodynamic stability) performed at Invitae indicates that this missense variant is not expected to disrupt CCM2 protein function. In summary, the available evidence is currently insufficient to determine the role of this variant in disease. Therefore, it has been classified as a Variant of Uncertain Significance.